The following is an entry in ClinVar:

NM_001382391.1(CSPP1):c.2477_2478insT (p.Lys826fs)

Gene: CSPP1 (centrosome and spindle pole associated protein 1; plus strand). Cytogenetic location: 8q13.2.
Variant type: Insertion.
Coding change: c.2477_2478insT on transcript NM_001382391.1 (MANE Select); coding-DNA positions 2477 to 2478, T inserted.
Protein change: p.Lys826fs; shifts the reading frame from lysine 826.
Molecular consequence: frameshift variant.
Genome position: GRCh38 VCF-style: chr8-67159076-A-AT. GRCh37 (hg19) VCF-style: chr8-68071311-A-AT.
Other names: c.1427_1428insT, p.Lys476fs (NM_001291339.2); c.2396_2397insT, p.Lys799fs (NM_001363131.2); c.2282_2283insT, p.Lys761fs (NM_001363132.2); c.2201_2202insT, p.Lys734fs (NM_001363133.2); c.2543_2544insT, p.Lys848fs (NM_001364869.1); c.2363_2364insT, p.Lys788fs (NM_001364870.1); c.2462_2463insT, p.Lys821Asnfs (NM_024790.7); short protein forms K476fs, K799fs, K848fs, K734fs, K788fs, K761fs, K826fs, K821fs.
Identifiers: ClinVar variation 2017968 (VCV002017968.4), dbSNP rs2489718499, ClinGen allele CA2580078905.
Genomic context (GRCh38, chr8:67,159,076, plus strand): 5'-TTCGGTTAGCTGAAGAAAGACAAAAAGAAGCAGAAAGAAAGAAGAAAGAAGAAGAAGAAA[A>AT]ATATAACCTGCAACTTCAGCACTACTGTGAAAGAGACAATTTGATTGGGGAAGAAACAAA-3'

ClinVar aggregate classification (germline): Pathogenic (1 of 4 stars; one submission).

Conditions:
Joubert syndrome 21 (JBTS21). Identifiers: MedGen C3810212, MONDO:0014288, OMIM 615636.

Submission:

Labcorp Genetics (formerly Invitae), Labcorp
Classification: Pathogenic for Joubert syndrome 21. Last evaluated: 2022-07-17. Review status: criteria provided, single submitter. Criteria: Invitae Variant Classification Sherloc (09022015). Collection method: clinical testing. Allele origin: germline.
Comment: For these reasons, this variant has been classified as Pathogenic. This variant has not been reported in the literature in individuals affected with CSPP1-related conditions. This variant is not present in population databases (gnomAD no frequency). This sequence change creates a premature translational stop signal (p.Lys821Asnfs*3) in the CSPP1 gene. It is expected to result in an absent or disrupted protein product. Loss-of-function variants in CSPP1 are known to be pathogenic (PMID: 24360807, 24360808).

Literature cited by the submitters: PubMed 24360807; PubMed 24360808.